The following is an entry in ClinVar:

NM_004304.5(ALK):c.4516A>T (p.Thr1506Ser)

Gene: ALK (ALK receptor tyrosine kinase; minus strand). Cytogenetic location: 2p23.2.
Variant type: single nucleotide variant.
Coding change: c.4516A>T on transcript NM_004304.5 (MANE Select); coding-DNA position 4516, A replaced by T.
Protein change: p.Thr1506Ser; replaces threonine 1506 with serine.
Molecular consequence: missense variant.
Genome position (GRCh38, 1-based): chr2:29,193,571, T>A on the plus strand (A>T on the coding strand, the complement: ALK is on the minus strand). VCF-style: chr2-29193571-T-A. GRCh37 (hg19) VCF-style: chr2-29416437-T-A.
Other names: c.1312A>T, p.Thr438Ser (NM_001353765.2); short protein forms T1506S, T438S.
Identifiers: ClinVar variation 655530 (VCV000655530.8), dbSNP rs1553386991, ClinGen allele CA346461092.

ClinVar aggregate classification (germline): Uncertain significance (1 of 4 stars; one submission).

Conditions:
Neuroblastoma, susceptibility to, 3. Also called: ALK-Related Neuroblastic Tumor Susceptibility. Identifiers: Orphanet 635, MedGen C2751681, MONDO:0013083, OMIM 613014.

Submission:

Labcorp Genetics (formerly Invitae), Labcorp
Classification: Uncertain significance for Neuroblastoma, susceptibility to, 3. Last evaluated: 2024-04-22. Review status: criteria provided, single submitter. Criteria: Invitae Variant Classification Sherloc (09022015). Collection method: clinical testing. Allele origin: germline.
Comment: This sequence change replaces threonine, which is neutral and polar, with serine, which is neutral and polar, at codon 1506 of the ALK protein (p.Thr1506Ser). This variant is not present in population databases (gnomAD no frequency). This variant has not been reported in the literature in individuals affected with ALK-related conditions. ClinVar contains an entry for this variant (Variation ID: 655530). An algorithm developed to predict the effect of missense changes on protein structure and function (PolyPhen-2) suggests that this variant is likely to be disruptive. In summary, the available evidence is currently insufficient to determine the role of this variant in disease. Therefore, it has been classified as a Variant of Uncertain Significance.